The following is an entry in ClinVar:

ClinVar aggregate classification (germline): Pathogenic. Review status: criteria provided, single submitter (1 of 4 stars). 2 submissions from 1 submitter: Pathogenic (2). Last evaluated 2016-05-23.

Conditions:
Hereditary cancer-predisposing syndrome. Also called: Hereditary Cancer Syndrome; Neoplastic Syndromes, Hereditary; Hereditary neoplastic syndrome; Tumor predisposition. Identifiers: Orphanet 140162, MedGen C0027672, MeSH D009386, MONDO:0015356.
Cardiovascular phenotype. Identifiers: MedGen CN230736.

Submissions (2):

Ambry Genetics
Classification: Pathogenic for Cardiovascular phenotype; Hereditary cancer-predisposing syndrome. Last evaluated: 2016-05-23. Review status: criteria provided, single submitter. Criteria: Ambry Variant Classification Scheme 2023. Collection method: clinical testing. Allele origin: germline.
Comment: The c.5562_5567delTCTTCTinsG pathogenic mutation, located in coding exon 38 of the NF1 gene, results from the deletion of six nucleotides and insertion of one nucleotide causing a translational frameshift with a predicted alternate stop codon. Since frameshifts are typically deleterious in nature, this alteration is interpreted as a disease-causing mutation (ACMG Recommendations for Standards for Interpretation and Reporting of Sequence Variations. Revision 2007. Genet Med. 2008;10:294).

Ambry Genetics
Classification: Pathogenic for Hereditary cancer-predisposing syndrome. Last evaluated: 2015-02-06. Review status: criteria provided, single submitter. Criteria: Ambry Autosomal Dominant and X-Linked criteria (10/2015). Collection method: clinical testing. Allele origin: germline. Observed: 1 variant allele.
Comment: The c.5625_5630delTCTTCTinsG pathogenic mutation, located in coding exon 39 of the NF1 gene, results from the deletion of 6 nucleotides and insertion of one nucleotide causing a translational frameshift with a predicted alternate stop codon. Since frameshifts are typically deleterious in nature, this alteration is interpreted as a disease-causing mutation (ACMG Recommendations for Standards for Interpretation and Reporting of Sequence Variations. Revision 2007. Genet Med. 2008;10:294).

NM_001042492.3(NF1):c.5625_5630delinsG (p.Asn1875fs)

Gene: NF1 (neurofibromin 1; plus strand). Cytogenetic location: 17q11.2.
Variant type: Indel.
Coding change: c.5625_5630delinsG on transcript NM_001042492.3 (MANE Select); coding-DNA positions 5625 to 5630, TCTTCT replaced by G.
Protein change: p.Asn1875fs; shifts the reading frame from asparagine 1875.
Molecular consequence: frameshift variant.
Genome position (GRCh38, 1-based): chr17:31,330,311-31,330,316, TCTTCT replaced by G. VCF-style: chr17-31330311-TCTTCT-G. GRCh37 (hg19) VCF-style: chr17-29657329-TCTTCT-G.
Other names: c.5562_5567delTCTTCTinsG (NM_000267.3); c.5562_5567delTCTTCTinsG, p.Asn1854Lysfs (NM_000267.4); short protein forms N1875fs, N1854fs.
Identifiers: ClinVar variation 428958 (VCV000428958.5), dbSNP rs1131691081, ClinGen allele CA645369723.
Genomic context (GRCh38, chr17:31,330,311, plus strand): 5'-AGGAAAAATACGTTTTAAAACAACTTCATTTGTGTTTTCTCCTAGGTCAGCTGCCTATAA[TCTTCT>G]GTGTGCCTTAACTTGTACCTTTAATTTAAAAATCGAGGGCCAGTTACTAGAGACATCAGG-3'